The following is an entry in ClinVar:

ClinVar aggregate classification (germline): Uncertain significance (1 of 4 stars; one submission).

Submission:

GeneDx
Classification: Uncertain significance. Last evaluated: 2022-11-23. Review status: criteria provided, single submitter. Criteria: GeneDx Variant Classification Process June 2021. Collection method: clinical testing. Allele origin: germline. Affected: yes.
Comment: Not observed at significant frequency in large population cohorts (gnomAD); In silico analysis supports that this missense variant has a deleterious effect on protein structure/function; Has not been previously published as pathogenic or benign to our knowledge; Variants in candidate genes are classified as variants of uncertain significance in accordance with ACMG guidelines (Richards et al., 2015)

NM_001347886.2(DNAH3):c.5596C>T (p.His1866Tyr)

Gene: DNAH3 (dynein axonemal heavy chain 3; minus strand). Cytogenetic location: 16p12.3.
Variant type: single nucleotide variant.
Coding change: c.5596C>T on transcript NM_001347886.2 (MANE Select); coding-DNA position 5596, C replaced by T.
Protein change: p.His1866Tyr; replaces histidine 1866 with tyrosine.
Molecular consequence: missense variant.
Genome position (GRCh38, 1-based): chr16:21,022,013, G>A on the plus strand (C>T on the coding strand, the complement: DNAH3 is on the minus strand). VCF-style: chr16-21022013-G-A. GRCh37 (hg19) VCF-style: chr16-21033335-G-A.
Other names: c.5734C>T, p.His1912Tyr (NM_017539.2); short protein forms H1866Y, H1912Y.
Identifiers: ClinVar variation 3774775 (VCV003774775.1).